The following is an entry in ClinVar:

ClinVar aggregate classification (germline): Uncertain significance (1 of 4 stars; one submission).

Submission:

Labcorp Genetics (formerly Invitae), Labcorp
Classification: Uncertain significance. Last evaluated: 2022-07-19. Review status: criteria provided, single submitter. Criteria: Invitae Variant Classification Sherloc (09022015). Collection method: clinical testing. Allele origin: germline.
Comment: Algorithms developed to predict the effect of missense changes on protein structure and function are either unavailable or do not agree on the potential impact of this missense change (SIFT: "Deleterious"; PolyPhen-2: "Benign"; Align-GVGD: "Class C65"). In summary, the available evidence is currently insufficient to determine the role of this variant in disease. Therefore, it has been classified as a Variant of Uncertain Significance. ClinVar contains an entry for this variant (Variation ID: 1410559). This variant is not present in population databases (gnomAD no frequency). This variant has not been reported in the literature in individuals affected with PDE6A-related conditions. This sequence change replaces asparagine, which is neutral and polar, with lysine, which is basic and polar, at codon 804 of the PDE6A protein (p.Asn804Lys).

NM_000440.3(PDE6A):c.2412C>A (p.Asn804Lys)

Gene: PDE6A (phosphodiesterase 6A; minus strand). Cytogenetic location: 5q32.
Variant type: single nucleotide variant.
Coding change: c.2412C>A on transcript NM_000440.3 (MANE Select); coding-DNA position 2412, C replaced by A.
Protein change: p.Asn804Lys; replaces asparagine 804 with lysine.
Molecular consequence: missense variant.
Genome position (GRCh38, 1-based): chr5:149,863,213, G>T on the plus strand (C>A on the coding strand, the complement: PDE6A is on the minus strand). VCF-style: chr5-149863213-G-T. GRCh37 (hg19) VCF-style: chr5-149242776-G-T.
Other names: short protein forms N804K.
Identifiers: ClinVar variation 1410559 (VCV001410559.8), dbSNP rs1028395619, ClinGen allele CA361709233.